The following is an entry in ClinVar:

ClinVar aggregate classification (germline): Conflicting classifications of pathogenicity. Review status: criteria provided, conflicting classifications (1 of 4 stars). 6 submissions from 6 submitters: Uncertain significance (3); Likely benign (2). 1 of the submissions does not count toward it. Last evaluated 2026-01-30.

Conditions:
HSD17B4-related disorder. Also called: HSD17B4-related disorders; HSD17B4-related condition.
Perrault syndrome. Also called: Gonadal dysgenesis with auditory dysfunction, autosomal recessive inheritance. Identifiers: Orphanet 2855, MedGen C0685838, MONDO:0017312.
Bifunctional peroxisomal enzyme deficiency (DBIF). Also called: PBFE DEFICIENCY; D-bifunctional protein deficiency; DBP DEFICIENCY. Identifiers: Orphanet 300, MedGen C0342870, MONDO:0009855, OMIM 261515. Disease mechanism: loss of function.
Inborn genetic diseases. Identifiers: MedGen C0950123, MeSH D030342.

Allele frequency attached by ClinVar (database versions not stated): gnomAD 0.00002; gnomAD exomes 0.00003 and 0.00016; TOPMed 0.00008; ExAC 0.00011.
gnomAD v4.1: 44 of 1,582,410 alleles (0.0028%); highest among the groups gnomAD compares: Admixed American, 0.073%; no homozygotes.

Submissions (6):

Labcorp Genetics (formerly Invitae), Labcorp
Classification: Likely benign for Perrault syndrome; Bifunctional peroxisomal enzyme deficiency. Last evaluated: 2026-01-30. Review status: criteria provided, single submitter. Criteria: Invitae Variant Classification Sherloc (09022015). Collection method: clinical testing. Allele origin: germline.

Daryl Scott Lab, Baylor College of Medicine
Classification: Uncertain significance for HSD17B4-related disorder. Last evaluated: 2024-01-01. Review status: criteria provided, single submitter. Criteria: ACMG Guidelines, 2015. Collection method: clinical testing. Allele origin: unknown. Observed: 1 heterozygote.
Comment: no criteria met

Ambry Genetics
Classification: Uncertain significance for Inborn genetic diseases. Last evaluated: 2021-07-14. Review status: criteria provided, single submitter. Criteria: Ambry Variant Classification Scheme 2023. Collection method: clinical testing. Allele origin: germline.

GeneDx
Classification: Likely benign. Last evaluated: 2020-11-24. Review status: criteria provided, single submitter. Criteria: GeneDx Variant Classification Process June 2021. Collection method: clinical testing. Allele origin: germline. Affected: yes.

Eurofins Ntd Llc (ga)
Classification: Uncertain significance. Last evaluated: 2018-08-09. Review status: criteria provided, single submitter. Criteria: EGL ClinVar v180209 classification definitions. Collection method: clinical testing. Allele origin: germline. Observed: 1 variant allele, 1 heterozygote.

PreventionGenetics, part of Exact Sciences
Classification: Uncertain significance for HSD17B4-related condition. Last evaluated: 2024-05-24. Review status: no assertion criteria provided. Collection method: clinical testing. Allele origin: germline. Not counted in ClinVar's aggregate classification.
Comment: The HSD17B4 c.1278A>T variant is predicted to result in the amino acid substitution p.Glu426Asp. To our knowledge, this variant has not been reported in the literature. This variant is reported in 0.11% of alleles in individuals of Latino descent in gnomAD. Although we suspect that this variant may be benign, at this time, the clinical significance of this variant is uncertain due to the absence of conclusive functional and genetic evidence.

NM_000414.4(HSD17B4):c.1278A>T (p.Glu426Asp)

Gene: HSD17B4 (hydroxysteroid 17-beta dehydrogenase 4; plus strand). Cytogenetic location: 5q23.1.
Variant type: single nucleotide variant.
Coding change: c.1278A>T on transcript NM_000414.4 (MANE Select); coding-DNA position 1278, A replaced by T.
Protein change: p.Glu426Asp; replaces glutamic acid 426 with aspartic acid.
Molecular consequence: missense variant.
Genome position (GRCh38, 1-based): chr5:119,506,834, A>T. VCF-style: chr5-119506834-A-T. GRCh37 (hg19) VCF-style: chr5-118842529-A-T.
Other names: c.1353A>T, p.Glu451Asp (NM_001199291.3); c.1224A>T, p.Glu408Asp (NM_001199292.2); c.1206A>T, p.Glu402Asp (NM_001292027.2); c.858A>T, p.Glu286Asp (NM_001292028.2); short protein forms E426D, E402D, E286D, E451D, E408D.
Identifiers: ClinVar variation 598348 (VCV000598348.18), dbSNP rs780820166, ClinGen allele CA3382171.